The following is an entry in ClinVar:

ClinVar aggregate classification (germline): Uncertain significance (1 of 4 stars; one submission).

Conditions:
Fanconi anemia (FA). Also called: Fanconi's anemia. Identifiers: Orphanet 84, MedGen C0015625, MeSH D005199, MONDO:0019391.

Submission:

Labcorp Genetics (formerly Invitae), Labcorp
Classification: Uncertain significance for Fanconi anemia. Last evaluated: 2023-03-29. Review status: criteria provided, single submitter. Criteria: Invitae Variant Classification Sherloc (09022015). Collection method: clinical testing. Allele origin: germline.
Comment: In summary, the available evidence is currently insufficient to determine the role of this variant in disease. Therefore, it has been classified as a Variant of Uncertain Significance. This sequence change replaces arginine, which is basic and polar, with cysteine, which is neutral and slightly polar, at codon 47 of the FANCF protein (p.Arg47Cys). This variant is not present in population databases (gnomAD no frequency). This variant has not been reported in the literature in individuals affected with FANCF-related conditions. Advanced modeling of protein sequence and biophysical properties (such as structural, functional, and spatial information, amino acid conservation, physicochemical variation, residue mobility, and thermodynamic stability) performed at Invitae indicates that this missense variant is expected to disrupt FANCF protein function.

NM_022725.4(FANCF):c.139C>T (p.Arg47Cys)

Gene: FANCF (FA complementation group F; minus strand). Cytogenetic location: 11p14.3.
Variant type: single nucleotide variant.
Coding change: c.139C>T on transcript NM_022725.4 (MANE Select); coding-DNA position 139, C replaced by T.
Protein change: p.Arg47Cys; replaces arginine 47 with cysteine.
Molecular consequence: missense variant.
Genome position (GRCh38, 1-based): chr11:22,625,672, G>A on the plus strand (C>T on the coding strand, the complement: FANCF is on the minus strand). VCF-style: chr11-22625672-G-A. GRCh37 (hg19) VCF-style: chr11-22647218-G-A.
Other names: short protein forms R47C.
Identifiers: ClinVar variation 2696205 (VCV002696205.3), dbSNP rs2494870779, ClinGen allele CA380059626.
Genomic context (GRCh38, chr11:22,625,672, plus strand): 5'-TCCACTGGTTGTGCAGCCGCCGCTCCAGAGCCGTGCGAATGGGGCCATGCCGACCAAAGC[G>A]CCGATGGATGTGGCGCAGGTAGCGCGCCCACTGCAAGGCCCGGCGCACGGTGGCGGGGTC-3'
Protein context (NP_073562.1, residues 37-57): WARYLRHIHR[Arg47Cys]FGRHGPIRTA